The following is an entry in ClinVar:

ClinVar aggregate classification (germline): Uncertain significance (1 of 4 stars; one submission).

gnomAD v4.1: 3 of 1,614,110 alleles (0.00019%); highest among the groups gnomAD compares: Admixed American, 0.0033%; no homozygotes.

Submission:

GeneDx
Classification: Uncertain significance. Last evaluated: 2024-10-14. Review status: criteria provided, single submitter. Criteria: GeneDx Variant Classification Process June 2021. Collection method: clinical testing. Allele origin: germline. Affected: yes.
Comment: Not observed at significant frequency in large population cohorts (gnomAD); In silico analysis indicates that this missense variant does not alter protein structure/function; Has not been previously published as pathogenic or benign to our knowledge

NM_015404.4(WHRN):c.2660C>G (p.Ala887Gly)

Gene: WHRN (whirlin; minus strand). Cytogenetic location: 9q32.
Variant type: single nucleotide variant.
Coding change: c.2660C>G on transcript NM_015404.4 (MANE Select); coding-DNA position 2660, C replaced by G.
Protein change: p.Ala887Gly; replaces alanine 887 with glycine.
Molecular consequence: missense variant.
Genome position (GRCh38, 1-based): chr9:114,402,818, G>C on the plus strand (C>G on the coding strand, the complement: WHRN is on the minus strand). VCF-style: chr9-114402818-G-C. GRCh37 (hg19) VCF-style: chr9-117165098-G-C.
Other names: c.1607C>G, p.Ala536Gly (NM_001346890.1); c.1511C>G, p.Ala504Gly (NM_001083885.3); c.2657C>G, p.Ala886Gly (NM_001173425.2); short protein forms A504G, A536G, A886G, A887G.
Identifiers: ClinVar variation 3777363 (VCV003777363.1).